The following is an entry in ClinVar:

ClinVar aggregate classification (germline): Uncertain significance (1 of 4 stars; one submission).

Conditions:
Autosomal recessive spastic paraplegia type 78. Identifiers: Orphanet 513436, MedGen C5567893, MONDO:0014975, OMIM 617225.
Kufor-Rakeb syndrome (KRS). Also called: PARKINSON DISEASE 9, AUTOSOMAL RECESSIVE, JUVENILE-ONSET. Identifiers: Orphanet 306674, Orphanet 314632, MedGen C1847640, MONDO:0011706, OMIM 606693.

Allele frequency attached by ClinVar (database versions not stated): TOPMed below 0.00001; ExAC 0.00001.

Submission:

Labcorp Genetics (formerly Invitae), Labcorp
Classification: Uncertain significance for Kufor-Rakeb syndrome; Autosomal recessive spastic paraplegia type 78. Last evaluated: 2022-06-15. Review status: criteria provided, single submitter. Criteria: Invitae Variant Classification Sherloc (09022015). Collection method: clinical testing. Allele origin: germline.
Comment: In summary, the available evidence is currently insufficient to determine the role of this variant in disease. Therefore, it has been classified as a Variant of Uncertain Significance. Advanced modeling of protein sequence and biophysical properties (such as structural, functional, and spatial information, amino acid conservation, physicochemical variation, residue mobility, and thermodynamic stability) performed at Invitae indicates that this missense variant is not expected to disrupt ATP13A2 protein function. This variant has not been reported in the literature in individuals affected with ATP13A2-related conditions. The frequency data for this variant in the population databases is considered unreliable, as metrics indicate poor data quality at this position in the gnomAD database. This sequence change replaces alanine, which is neutral and non-polar, with threonine, which is neutral and polar, at codon 594 of the ATP13A2 protein (p.Ala594Thr).

NM_022089.4(ATP13A2):c.1780G>A (p.Ala594Thr)

Gene: ATP13A2 (ATPase cation transporting 13A2; minus strand). Cytogenetic location: 1p36.13.
Variant type: single nucleotide variant.
Coding change: c.1780G>A on transcript NM_022089.4 (MANE Select); coding-DNA position 1780, G replaced by A.
Protein change: p.Ala594Thr; replaces alanine 594 with threonine.
Molecular consequence: missense variant.
Genome position (GRCh38, 1-based): chr1:16,992,551, C>T on the plus strand (G>A on the coding strand, the complement: ATP13A2 is on the minus strand). VCF-style: chr1-16992551-C-T. GRCh37 (hg19) VCF-style: chr1-17319046-C-T.
Other names: c.1765G>A, p.Ala589Thr (NM_001141973.3, NM_001141974.3); short protein forms A589T, A594T.
Identifiers: ClinVar variation 1987183 (VCV001987183.4), dbSNP rs765558237, ClinGen allele CA637083.